The following is an entry in ClinVar:

ClinVar aggregate classification (germline): Uncertain significance (1 of 4 stars; one submission).

Submission:

Labcorp Genetics (formerly Invitae), Labcorp
Classification: Uncertain significance. Last evaluated: 2026-01-13. Review status: criteria provided, single submitter. Criteria: Invitae Variant Classification Sherloc (09022015). Collection method: clinical testing. Allele origin: germline.
Comment: This sequence change replaces glycine, which is neutral and non-polar, with arginine, which is basic and polar, at codon 543 of the A2ML1 protein (p.Gly543Arg). This variant is not present in population databases (gnomAD no frequency). This variant has not been reported in the literature in individuals affected with A2ML1-related conditions. An algorithm developed to predict the effect of missense changes on protein structure and function outputs the following: PolyPhen-2: "Probably Damaging". The arginine amino acid residue is found in multiple mammalian species, which suggests that this missense change does not adversely affect protein function. In summary, the available evidence is currently insufficient to determine the role of this variant in disease. Therefore, it has been classified as a Variant of Uncertain Significance.

NM_144670.6(A2ML1):c.1627G>A (p.Gly543Arg)

Gene: A2ML1 (alpha-2-macroglobulin like 1; plus strand). Cytogenetic location: 12p13.31.
Variant type: single nucleotide variant.
Coding change: c.1627G>A on transcript NM_144670.6 (MANE Select); coding-DNA position 1627, G replaced by A.
Protein change: p.Gly543Arg; replaces glycine 543 with arginine.
Molecular consequence: missense variant.
Genome position (GRCh38, 1-based): chr12:8,846,166, G>A. VCF-style: chr12-8846166-G-A. GRCh37 (hg19) VCF-style: chr12-8998762-G-A.
Other names: c.154G>A, p.Gly52Arg (NM_001282424.3); short protein forms G543R, G52R.
Identifiers: ClinVar variation 4750929 (VCV004750929.1).